The following is an entry in ClinVar:

NM_006206.6(PDGFRA):c.3115A>G (p.Arg1039Gly)

Gene: PDGFRA (platelet derived growth factor receptor alpha; plus strand). Cytogenetic location: 4q12.
Variant type: single nucleotide variant.
Coding change: c.3115A>G on transcript NM_006206.6 (MANE Select); coding-DNA position 3115, A replaced by G.
Protein change: p.Arg1039Gly; replaces arginine 1039 with glycine.
Molecular consequence: missense variant.
Genome position (GRCh38, 1-based): chr4:54,290,547, A>G. VCF-style: chr4-54290547-A-G. GRCh37 (hg19) VCF-style: chr4-55156714-A-G.
Other names: c.3190A>G, p.Arg1064Gly (NM_001347828.2); c.3115A>G, p.Arg1039Gly (NM_001347829.2); c.3154A>G, p.Arg1052Gly (NM_001347830.2); short protein forms R1052G, R1064G, R1039G.
Identifiers: ClinVar variation 849498 (VCV000849498.10), dbSNP rs1724579650, ClinGen allele CA356896409.

ClinVar aggregate classification (germline): Uncertain significance (1 of 4 stars; one submission).

Conditions:
Gastrointestinal stromal tumor. Also called: Gastrointestinal stromal tumor, somatic; Gastrointestinal stroma tumor. Identifiers: Orphanet 44890, MedGen C0238198, MeSH D046152, MONDO:0011719, OMIM 606764, HP:0100723.

Submission:

Labcorp Genetics (formerly Invitae), Labcorp
Classification: Uncertain significance for Gastrointestinal stromal tumor. Last evaluated: 2019-12-11. Review status: criteria provided, single submitter. Criteria: Invitae Variant Classification Sherloc (09022015). Collection method: clinical testing. Allele origin: germline.
Comment: Algorithms developed to predict the effect of missense changes on protein structure and function are either unavailable or do not agree on the potential impact of this missense change (SIFT: "Tolerated"; PolyPhen-2: "Probably Damaging"; Align-GVGD: "Class C0"). In summary, the available evidence is currently insufficient to determine the role of this variant in disease. Therefore, it has been classified as a Variant of Uncertain Significance. This variant is not present in population databases (ExAC no frequency). This sequence change replaces arginine with glycine at codon 1039 of the PDGFRA protein (p.Arg1039Gly). The arginine residue is highly conserved and there is a moderate physicochemical difference between arginine and glycine. This variant has not been reported in the literature in individuals with PDGFRA-related conditions.